The following is an entry in ClinVar:

ClinVar aggregate classification (germline): Uncertain significance (1 of 4 stars; one submission).

Conditions:
Sphingolipid activator protein 1 deficiency. Also called: Metachromatic leukodystrophy due to saposin B deficiency; Saposin B Deficiency; METACHROMATIC LEUKODYSTROPHY DUE TO CEREBROSIDE SULFATASE ACTIVATOR DEFICIENCY. Identifiers: Orphanet 512, MedGen C0268262, MONDO:0009590, OMIM 249900.

Submission:

Labcorp Genetics (formerly Invitae), Labcorp
Classification: Uncertain significance for Sphingolipid activator protein 1 deficiency. Last evaluated: 2022-09-01. Review status: criteria provided, single submitter. Criteria: Invitae Variant Classification Sherloc (09022015). Collection method: clinical testing. Allele origin: germline.
Comment: This sequence change replaces lysine, which is basic and polar, with leucine, which is neutral and non-polar, at codon 46 of the PSAP protein (p.Lys46Leu). Information on the frequency of this variant in the gnomAD database is not available, as this variant may be reported differently in the database. This variant has not been reported in the literature in individuals affected with PSAP-related conditions. ClinVar contains an entry for this variant (Variation ID: 1494397). Algorithms developed to predict the effect of missense changes on protein structure and function are either unavailable or do not agree on the potential impact of this missense change (SIFT: "Not Available"; PolyPhen-2: "Benign"; Align-GVGD: "Not Available"). In summary, the available evidence is currently insufficient to determine the role of this variant in disease. Therefore, it has been classified as a Variant of Uncertain Significance.

NM_002778.4(PSAP):c.136_138inv (p.Lys46Leu)

Gene: PSAP (prosaposin; minus strand). Cytogenetic location: 10q22.1.
Variant type: Inversion.
Coding change: c.136_138inv on transcript NM_002778.4 (MANE Select).
Protein change: p.Lys46Leu; replaces lysine 46 with leucine.
Molecular consequence: missense variant.
Genome position: GRCh38 VCF-style: chr10-71834408-CTT-AAG. GRCh37 (hg19) VCF-style: chr10-73594165-CTT-AAG.
Other names: c.136_138inv, p.Lys46Leu (NM_001042465.3, NM_001042466.3); short protein forms K46L.
Identifiers: ClinVar variation 1494397 (VCV001494397.3), ClinGen allele CA2573145297.